The following is an entry in ClinVar:

NM_000211.5(ITGB2):c.79A>T (p.Lys27Ter)

Gene: ITGB2 (integrin subunit beta 2; minus strand). Cytogenetic location: 21q22.3.
Variant type: single nucleotide variant.
Coding change: c.79A>T on transcript NM_000211.5 (MANE Select); coding-DNA position 79, A replaced by T.
Protein change: p.Lys27Ter; replaces lysine 27 with a stop codon.
Molecular consequence: nonsense. On other transcripts: 5 prime UTR variant (1).
Genome position (GRCh38, 1-based): chr21:44,910,352, T>A on the plus strand (A>T on the coding strand, the complement: ITGB2 is on the minus strand). VCF-style: chr21-44910352-T-A. GRCh37 (hg19) VCF-style: chr21-46330267-T-A.
Other names: c.79A>T (LRG_76t1); c.79A>T, p.Lys27Ter (NM_001127491.3); c.-129A>T (NM_001303238.2); short protein forms K27*.
Identifiers: ClinVar variation 381673 (VCV000381673.2), dbSNP rs189250711, ClinGen allele CA10063407.

ClinVar aggregate classification (germline): Pathogenic (1 of 4 stars; one submission).

Allele frequency attached by ClinVar (database versions not stated): gnomAD exomes below 0.00001; ExAC 0.00001; gnomAD 0.00001; 1000 Genomes Project 30x 0.00016; 1000 Genomes Project 0.00020.
gnomAD v4.1: 1 of 1,614,108 alleles (0.000062%); highest among the groups gnomAD compares: Non-Finnish European, 0.000085%; no homozygotes.

Submission:

GeneDx
Classification: Pathogenic. Last evaluated: 2016-12-27. Review status: criteria provided, single submitter. Criteria: GeneDx Variant Classification (06012015). Collection method: clinical testing. Allele origin: germline. Affected: yes.
Comment: The K27X nonsense variant in the ITGB2 gene has been reported previously in the homozygous state in patients with LAD Type 1 (Fiorini et al., 2009; van der Vijver et al., 2012). This pathogenic variant is predicted to cause loss of normal protein function either through protein truncation or nonsense-mediated mRNA decay. Additionally, the K27X variant was was not observed in approximately 6,500 individuals of European and African American ancestry in the NHLBI Exome Sequencing Project, indicating it is not a common benign variant in these populations. Therefore, we interpret the K27X variant as pathogenic.